The following is an entry in ClinVar:

ClinVar aggregate classification (germline): Uncertain significance. Review status: criteria provided, multiple submitters, no conflicts (2 of 4 stars). 2 submissions from 2 submitters: Uncertain significance (2). Last evaluated 2024-09-10.

Conditions:
Inborn genetic diseases. Identifiers: MedGen C0950123, MeSH D030342.

Allele frequency attached by ClinVar (database versions not stated): gnomAD exomes 0.00002; ExAC 0.00003; gnomAD 0.00003 and 0.00004; TOPMed 0.00006.
gnomAD v4.1: 16 of 1,613,844 alleles (0.00099%); highest among the groups gnomAD compares: Admixed American, 0.0083%; no homozygotes.

Submissions (2):

Ambry Genetics
Classification: Uncertain significance for Inborn genetic diseases. Last evaluated: 2024-09-10. Review status: criteria provided, single submitter. Criteria: Ambry Variant Classification Scheme 2023. Collection method: clinical testing. Allele origin: germline.

Labcorp Genetics (formerly Invitae), Labcorp
Classification: Uncertain significance. Last evaluated: 2022-08-31. Review status: criteria provided, single submitter. Criteria: Invitae Variant Classification Sherloc (09022015). Collection method: clinical testing. Allele origin: germline.
Comment: This sequence change replaces valine, which is neutral and non-polar, with glycine, which is neutral and non-polar, at codon 430 of the BMP1 protein (p.Val430Gly). This variant is present in population databases (rs781190590, gnomAD 0.004%). This variant has not been reported in the literature in individuals affected with BMP1-related conditions. ClinVar contains an entry for this variant (Variation ID: 1382567). Algorithms developed to predict the effect of missense changes on protein structure and function (SIFT, PolyPhen-2, Align-GVGD) all suggest that this variant is likely to be disruptive. In summary, the available evidence is currently insufficient to determine the role of this variant in disease. Therefore, it has been classified as a Variant of Uncertain Significance.

NM_006129.5(BMP1):c.1289T>G (p.Val430Gly)

Gene: BMP1 (bone morphogenetic protein 1; plus strand). Cytogenetic location: 8p21.3.
Variant type: single nucleotide variant.
Coding change: c.1289T>G on transcript NM_006129.5 (MANE Select); coding-DNA position 1289, T replaced by G.
Protein change: p.Val430Gly; replaces valine 430 with glycine.
Molecular consequence: missense variant. On other transcripts: non-coding transcript variant (2).
Genome position (GRCh38, 1-based): chr8:22,194,166, T>G. VCF-style: chr8-22194166-T-G. GRCh37 (hg19) VCF-style: chr8-22051679-T-G.
Other names: c.1289T>G, p.Val430Gly (NM_001199.4); c.1289T>G (NM_006129.4); short protein forms V430G.
Identifiers: ClinVar variation 1382567 (VCV001382567.5), dbSNP rs781190590, ClinGen allele CA4664614.
Genomic context (GRCh38, chr8:22,194,166, plus strand): 5'-GCCGCCTCTGGGTTGAATTCCGCAGCAGCAGCAATTGGGTTGGAAAGGGCTTCTTTGCAG[T>G]CTACGAAGGTACTGAGGAAGGCGGCGGGCGGGAGGAGTCAGATAGGAGGTCTCTGGGCAT-3'
Protein context (NP_006120.1, residues 420-440): SNWVGKGFFA[Val430Gly]YEAICGGDVK